The following is an entry in ClinVar:

ClinVar aggregate classification (germline): Uncertain significance. Review status: criteria provided, multiple submitters, no conflicts (2 of 4 stars). 4 submissions from 4 submitters: Uncertain significance (4). Last evaluated 2022-10-26.

Conditions:
NPHP4-related disorder. Also called: NPHP4-related disorders; NPHP4-related condition. Identifiers: MedGen CN239384.
Nephronophthisis. Also called: Juvenile Nephronophthisis. Identifiers: Orphanet 655, MedGen C0687120, MONDO:0019005, HP:0000090.
Nephronophthisis 4 (NPHP4). Also called: NEPHRONOPHTHISIS 4, JUVENILE. Identifiers: Orphanet 655, MedGen C1847013, MONDO:0011752, OMIM 606966.
Senior-Loken syndrome 4 (SLSN4). Identifiers: Orphanet 3156, MedGen C1846979, MONDO:0011756, OMIM 606996.

gnomAD v4.1: 77 of 1,613,486 alleles (0.0048%); highest among the groups gnomAD compares: Non-Finnish European, 0.0061%; no homozygotes.

Submissions (4):

PreventionGenetics, part of Exact Sciences
Classification: Uncertain significance for NPHP4-related condition. Last evaluated: 2022-10-26. Review status: criteria provided, single submitter. Criteria: ACMG Guidelines, 2015. Collection method: clinical testing. Allele origin: germline.
Comment: The NPHP4 c.2426A>G variant is predicted to result in the amino acid substitution p.Lys809Arg. To our knowledge, this variant has not been reported in the literature. This variant is reported in 0.0047% of alleles in individuals of European (Non-Finnish) descent in gnomAD. At this time, the clinical significance of this variant is uncertain due to the absence of conclusive functional and genetic evidence.

Fulgent Genetics
Classification: Uncertain significance for Nephronophthisis 4; Senior-Loken syndrome 4. Last evaluated: 2022-04-13. Review status: criteria provided, single submitter. Criteria: ACMG Guidelines, 2015. Collection method: clinical testing. Allele origin: unknown.

Labcorp Genetics (formerly Invitae), Labcorp
Classification: Uncertain significance for Nephronophthisis. Last evaluated: 2022-03-10. Review status: criteria provided, single submitter. Criteria: Invitae Variant Classification Sherloc (09022015). Collection method: clinical testing. Allele origin: germline.
Comment: This sequence change replaces lysine, which is basic and polar, with arginine, which is basic and polar, at codon 809 of the NPHP4 protein (p.Lys809Arg). This variant is present in population databases (rs747951355, gnomAD 0.005%). This variant has not been reported in the literature in individuals affected with NPHP4-related conditions. Algorithms developed to predict the effect of missense changes on protein structure and function output the following: SIFT: "Tolerated"; PolyPhen-2: "Benign"; Align-GVGD: "Class C0". The arginine amino acid residue is found in multiple mammalian species, which suggests that this missense change does not adversely affect protein function. Algorithms developed to predict the effect of sequence changes on RNA splicing suggest that this variant may create or strengthen a splice site. In summary, the available evidence is currently insufficient to determine the role of this variant in disease. Therefore, it has been classified as a Variant of Uncertain Significance.

Blueprint Genetics
Classification: Uncertain significance. Last evaluated: 2022-03-01. Review status: criteria provided, single submitter. Criteria: ACMG Guidelines, 2015. Collection method: clinical testing. Allele origin: germline.

NM_015102.5(NPHP4):c.2426A>G (p.Lys809Arg)

Gene: NPHP4 (nephrocystin 4; minus strand). Cytogenetic location: 1p36.31.
Variant type: single nucleotide variant.
Coding change: c.2426A>G on transcript NM_015102.5 (MANE Select); coding-DNA position 2426, A replaced by G.
Protein change: p.Lys809Arg; replaces lysine 809 with arginine.
Molecular consequence: missense variant. On other transcripts: non-coding transcript variant (1).
Genome position (GRCh38, 1-based): chr1:5,887,345, T>C on the plus strand (A>G on the coding strand, the complement: NPHP4 is on the minus strand). VCF-style: chr1-5887345-T-C. GRCh37 (hg19) VCF-style: chr1-5947405-T-C.
Other names: c.2426A>G (NM_015102.4); c.887A>G, p.Lys296Arg (NM_001291593.2); c.890A>G, p.Lys297Arg (NM_001291594.2); short protein forms K809R, K296R, K297R.
Identifiers: ClinVar variation 1514603 (VCV001514603.5), dbSNP rs747951355, ClinGen allele CA554127.